The following is an entry in ClinVar:

ClinVar aggregate classification (germline): Conflicting classifications of pathogenicity. Review status: criteria provided, conflicting classifications (1 of 4 stars). 5 submissions from 5 submitters: Pathogenic (2); Uncertain significance (3). Last evaluated 2026-07-30.

Conditions:
Intellectual developmental disorder with gastrointestinal difficulties and high pain threshold (JDVS). Also called: JANSEN-DE VRIES SYNDROME. Identifiers: Orphanet 653767, MedGen C4479517, MONDO:0044318, OMIM 617450.
Familial cancer of breast. Also called: hereditary breast carcinoma; Hereditary breast cancer; BREAST CANCER, FAMILIAL. Identifiers: Orphanet 227535, MedGen C0346153, MONDO:0016419, OMIM 114480. Disease mechanism: loss of function.

Allele frequency attached by ClinVar (database versions not stated): gnomAD exomes 0.00001; ExAC 0.00002; gnomAD 0.00002.
gnomAD v4.1: 14 of 1,613,874 alleles (0.00087%); highest among the groups gnomAD compares: East Asian, 0.0045%; no homozygotes.

Submissions (5):

GeneDx
Classification: Uncertain significance. Last evaluated: 2026-07-30. Review status: criteria provided, single submitter. Criteria: GeneDx Variant Classification Process June 2021. Collection method: clinical testing. Allele origin: germline.
Comment: This variant is associated with the following publications: (PMID: 28068180, 31659152, Ashish2022[article], 30216591, 35236052, 35765879)

Blueprint Genetics
Classification: Uncertain significance. Last evaluated: 2024-07-22. Review status: criteria provided, single submitter. Criteria: ACMG Guidelines, 2015. Collection method: clinical testing. Allele origin: germline.

Greenwood Genetic Center Diagnostic Laboratories, Greenwood Genetic Center
Classification: Uncertain significance for Intellectual developmental disorder with gastrointestinal difficulties and high pain threshold. Last evaluated: 2022-06-14. Review status: criteria provided, single submitter. Criteria: ACMG Guidelines, 2015. Collection method: clinical testing. Allele origin: germline. Affected: yes.
Comment: PM2, PP3_moderate (3' of published truncating variants)

Mendelics
Classification: Pathogenic for Familial cancer of breast. Last evaluated: 2022-05-04. Review status: criteria provided, single submitter. Criteria: Mendelics Assertion Criteria 2019. Collection method: clinical testing. Allele origin: germline.

MVZ Martinsried, Medicover Genetics
Classification: Pathogenic for Intellectual developmental disorder with gastrointestinal difficulties and high pain threshold. Last evaluated: 2018-11-14. Review status: criteria provided, single submitter. Criteria: ACMG Guidelines, 2015. Collection method: research. Allele origin: de novo. Affected: yes.

NM_003620.4(PPM1D):c.1714C>T (p.Arg572Ter)

Gene: PPM1D (protein phosphatase, Mg2+/Mn2+ dependent 1D; plus strand). Cytogenetic location: 17q23.2.
Variant type: single nucleotide variant.
Coding change: c.1714C>T on transcript NM_003620.4 (MANE Select); coding-DNA position 1714, C replaced by T.
Protein change: p.Arg572Ter; replaces arginine 572 with a stop codon.
Molecular consequence: nonsense.
Genome position (GRCh38, 1-based): chr17:60,663,448, C>T. VCF-style: chr17-60663448-C-T. GRCh37 (hg19) VCF-style: chr17-58740809-C-T.
Other names: short protein forms R572*.
Identifiers: ClinVar variation 546016 (VCV000546016.10), dbSNP rs765769406, ClinGen allele CA8687856.